The following is an entry in ClinVar:

ClinVar aggregate classification (germline): Uncertain significance (1 of 4 stars; one submission).

gnomAD v4.1: 4 of 1,614,124 alleles (0.00025%); highest among the groups gnomAD compares: East Asian, 0.0022%; no homozygotes.

Submission:

Labcorp Genetics (formerly Invitae), Labcorp
Classification: Uncertain significance. Last evaluated: 2024-11-25. Review status: criteria provided, single submitter. Criteria: Invitae Variant Classification Sherloc (09022015). Collection method: clinical testing. Allele origin: germline.
Comment: This sequence change replaces arginine, which is basic and polar, with glutamine, which is neutral and polar, at codon 226 of the ELP1 protein (p.Arg226Gln). This variant is present in population databases (rs758239907, gnomAD 0.002%). This variant has not been reported in the literature in individuals affected with ELP1-related conditions. Invitae Evidence Modeling of protein sequence and biophysical properties (such as structural, functional, and spatial information, amino acid conservation, physicochemical variation, residue mobility, and thermodynamic stability) indicates that this missense variant is expected to disrupt ELP1 protein function with a positive predictive value of 80%. In summary, the available evidence is currently insufficient to determine the role of this variant in disease. Therefore, it has been classified as a Variant of Uncertain Significance.

NM_003640.5(ELP1):c.677G>A (p.Arg226Gln)

Gene: ELP1 (elongator acetyltransferase complex subunit 1; minus strand). Cytogenetic location: 9q31.3.
Variant type: single nucleotide variant.
Coding change: c.677G>A on transcript NM_003640.5 (MANE Select); coding-DNA position 677, G replaced by A.
Protein change: p.Arg226Gln; replaces arginine 226 with glutamine.
Molecular consequence: missense variant. On other transcripts: intron variant (1).
Genome position (GRCh38, 1-based): chr9:108,918,874, C>T on the plus strand (G>A on the coding strand, the complement: ELP1 is on the minus strand). VCF-style: chr9-108918874-C-T. GRCh37 (hg19) VCF-style: chr9-111681154-C-T.
Other names: c.335G>A, p.Arg112Gln (NM_001318360.2); c.-307-1204G>A (NM_001330749.2); short protein forms R226Q, R112Q.
Identifiers: ClinVar variation 3708255 (VCV003708255.2).